The following is an entry in ClinVar:

NM_005647.4(TBL1X):c.505A>C (p.Thr169Pro)

Gene: TBL1X (transducin beta like 1 X-linked; plus strand). Cytogenetic location: Xp22.2.
Variant type: single nucleotide variant.
Coding change: c.505A>C on transcript NM_005647.4 (MANE Select); coding-DNA position 505, A replaced by C.
Protein change: p.Thr169Pro; replaces threonine 169 with proline.
Molecular consequence: missense variant.
Genome position (GRCh38, 1-based): chrX:9,688,164, A>C. VCF-style: chrX-9688164-A-C. GRCh37 (hg19) VCF-style: chrX-9656204-A-C.
Other names: c.505A>C, p.Thr169Pro (NM_001139466.1); c.352A>C, p.Thr118Pro (NM_001139467.1, NM_001139468.1); short protein forms T118P, T169P.
Identifiers: ClinVar variation 3375659 (VCV003375659.1).
Genomic context (GRCh38, chrX:9,688,164, plus strand): 5'-GCATTCCGAGAGAAGCTCGCTCAGCAGCAAGCCAGTGCGGCGGCGGCGGCGGCTGCGGCC[A>C]CGGCAGCAGCGACAGCAGCCACCACGACCTCAGCCGGCGTTTCCCACCAAAATCCATCGA-3'
Protein context (NP_005638.1, residues 159-179): ASAAAAAAAA[Thr169Pro]AAATAATTTS

ClinVar aggregate classification (germline): Uncertain significance (1 of 4 stars; one submission).

Submission:

GeneDx
Classification: Uncertain significance. Last evaluated: 2024-05-08. Review status: criteria provided, single submitter. Criteria: GeneDx Variant Classification Process June 2021. Collection method: clinical testing. Allele origin: germline. Affected: yes.
Comment: Not observed at significant frequency in large population cohorts (gnomAD); In silico analysis indicates that this missense variant does not alter protein structure/function; Has not been previously published as pathogenic or benign to our knowledge